The following is an entry in ClinVar:

NM_000282.4(PCCA):c.376G>A (p.Ala126Thr)

Gene: PCCA (propionyl-CoA carboxylase subunit alpha; plus strand). Cytogenetic location: 13q32.3.
Variant type: single nucleotide variant.
Coding change: c.376G>A on transcript NM_000282.4 (MANE Select); coding-DNA position 376, G replaced by A.
Protein change: p.Ala126Thr; replaces alanine 126 with threonine.
Molecular consequence: missense variant. On other transcripts: 5 prime UTR variant (3), non-coding transcript variant (5).
Genome position (GRCh38, 1-based): chr13:100,155,054, G>A. VCF-style: chr13-100155054-G-A. GRCh37 (hg19) VCF-style: chr13-100807308-G-A.
Other names: c.298G>A, p.Ala100Thr (NM_001127692.3, NM_001352607.2, NM_001352608.2); c.376G>A, p.Ala126Thr (NM_001178004.2, NM_001352605.2, NM_001352606.2 and 1 more transcripts); c.-491G>A (NM_001352610.2, NM_001352611.2, NM_001352612.2); short protein forms A126T, A100T.
Identifiers: ClinVar variation 1499806 (VCV001499806.4), dbSNP rs1482878054, ClinGen allele CA388693717.
Genomic context (GRCh38, chr13:100,155,054, plus strand): 5'-GCGGATGAGGCTGTCTGTGTTGGCCCAGCTCCCACCAGTAAAAGCTACCTCAACATGGAT[G>A]CCATCATGGAAGCCATTAAGAAAACCAGGGCCCAAGCTGTGAGTCTGAATGAATCTATCT-3'
Protein context (NP_000273.2, residues 116-136): PTSKSYLNMD[Ala126Thr]IMEAIKKTRA

ClinVar aggregate classification (germline): Uncertain significance (1 of 4 stars; one submission).

Conditions:
Propionic acidemia (PROP). Also called: GLYCINEMIA, KETOTIC; HYPERGLYCINEMIA WITH KETOACIDOSIS AND LEUKOPENIA; KETOTIC HYPERGLYCINEMIA. Identifiers: Orphanet 35, MedGen C0268579, MONDO:0011628, OMIM 606054, HP:0003571.

Allele frequency attached by ClinVar (database versions not stated): gnomAD 0.00001.
gnomAD v4.1: 2 of 1,613,748 alleles (0.00012%); highest among the groups gnomAD compares: Non-Finnish European, 0.000085%; no homozygotes.

Submission:

Labcorp Genetics (formerly Invitae), Labcorp
Classification: Uncertain significance for Propionic acidemia. Last evaluated: 2022-03-08. Review status: criteria provided, single submitter. Criteria: Invitae Variant Classification Sherloc (09022015). Collection method: clinical testing. Allele origin: germline.
Comment: In summary, the available evidence is currently insufficient to determine the role of this variant in disease. Therefore, it has been classified as a Variant of Uncertain Significance. Algorithms developed to predict the effect of missense changes on protein structure and function (SIFT, PolyPhen-2, Align-GVGD) all suggest that this variant is likely to be tolerated. This variant has not been reported in the literature in individuals affected with PCCA-related conditions. This variant is not present in population databases (gnomAD no frequency). This sequence change replaces alanine, which is neutral and non-polar, with threonine, which is neutral and polar, at codon 126 of the PCCA protein (p.Ala126Thr).